The following is an entry in ClinVar:

NM_004239.4(TRIP11):c.1934_1939del (p.Lys645_Glu646del)

Gene: TRIP11 (thyroid hormone receptor interactor 11; minus strand). Cytogenetic location: 14q32.12.
Variant type: Deletion.
Coding change: c.1934_1939del on transcript NM_004239.4 (MANE Select); coding-DNA positions 1934 to 1939, 6 bases deleted (AAGAAA; older notation c.1934_1939delAAGAAA).
Protein change: p.Lys645_Glu646del.
Molecular consequence: inframe deletion.
Genome position (GRCh38, 1-based): chr14:92,006,037-92,006,042, TTTCTT deleted on the plus strand (AAGAAA on the coding strand, the reverse complement: TRIP11 is on the minus strand); deleting any 6 consecutive bases within chr14:92,006,037-92,006,043 gives the same sequence; the c. name uses the placement nearest the transcript's 3' end. VCF-style (leftmost placement, unchanged base first): chr14-92006036-CTTTCTT-C. GRCh37 (hg19) VCF-style: chr14-92472380-CTTTCTT-C.
Other names: c.1931_1936del, p.Lys644_Glu645del (NM_001321851.1).
Identifiers: ClinVar variation 1061203 (VCV001061203.8), dbSNP rs749191728, ClinGen allele CA7313856.

ClinVar aggregate classification (germline): Uncertain significance. Review status: criteria provided, multiple submitters, no conflicts (2 of 4 stars). 2 submissions from 2 submitters: Uncertain significance (2). Last evaluated 2025-07-25.

Conditions:
Achondrogenesis, type IA (ACG1A). Identifiers: Orphanet 932, Orphanet 93299, MedGen C0265273, MONDO:0008701, OMIM 200600.

Submissions (2):

Dasa
Classification: Uncertain significance. Last evaluated: 2025-07-25. Review status: criteria provided, single submitter. Criteria: DASA Assertion Criteria. Collection method: clinical testing. Allele origin: germline.
Comment: NM_004239.4(TRIP11):c.1934_1939del (p.Lys645_Glu646del) is an in-frame deletion predicted to remove amino acids from lysine at protein position 645 through glutamic acid at protein position 646 without shifting the reading frame. This variant is rare in population databases. The currently available literature and clinical evidence are not sufficient to establish a definitive association between this variant and the reported condition. Therefore, this variant is classified as a variant of uncertain significance.

Labcorp Genetics (formerly Invitae), Labcorp
Classification: Uncertain significance for Achondrogenesis, type IA. Last evaluated: 2022-01-18. Review status: criteria provided, single submitter. Criteria: Invitae Variant Classification Sherloc (09022015). Collection method: clinical testing. Allele origin: germline.
Comment: This variant, c.1934_1939del, results in the deletion of 2 amino acid(s) of the TRIP11 protein (p.Lys645_Glu646del), but otherwise preserves the integrity of the reading frame. This variant is present in population databases (rs749191728, gnomAD 0.05%). This variant has not been reported in the literature in individuals affected with TRIP11-related conditions. ClinVar contains an entry for this variant (Variation ID: 1061203). In summary, the available evidence is currently insufficient to determine the role of this variant in disease. Therefore, it has been classified as a Variant of Uncertain Significance.